The following is an entry in ClinVar:

ClinVar aggregate classification (germline): Conflicting classifications of pathogenicity. Review status: criteria provided, conflicting classifications (1 of 4 stars). 3 submissions from 3 submitters: Uncertain significance (2); Likely benign (1). Last evaluated 2025-12-22.

Conditions:
PALB2-related disorder. Also called: PALB2-related disorders; PALB2-related condition.
Hereditary cancer-predisposing syndrome. Also called: Hereditary neoplastic syndrome; Neoplastic Syndromes, Hereditary; Hereditary Cancer Syndrome; Tumor predisposition. Identifiers: Orphanet 140162, MedGen C0027672, MeSH D009386, MONDO:0015356.
Familial cancer of breast. Also called: Hereditary breast cancer; hereditary breast carcinoma; BREAST CANCER, FAMILIAL. Identifiers: Orphanet 227535, MedGen C0346153, MONDO:0016419, OMIM 114480. Disease mechanism: loss of function.

Submissions (3):

Labcorp Genetics (formerly Invitae), Labcorp
Classification: Uncertain significance for Familial cancer of breast. Last evaluated: 2025-12-22. Review status: criteria provided, single submitter. Criteria: Invitae Variant Classification Sherloc (09022015). Collection method: clinical testing. Allele origin: germline.
Comment: This sequence change replaces valine, which is neutral and non-polar, with isoleucine, which is neutral and non-polar, at codon 917 of the PALB2 protein (p.Val917Ile). This variant is not present in population databases (gnomAD no frequency). This variant has not been reported in the literature in individuals affected with PALB2-related conditions. ClinVar contains an entry for this variant (Variation ID: 659049). An algorithm developed to predict the effect of missense changes on protein structure and function outputs the following: PolyPhen-2: "Benign". The isoleucine amino acid residue is found in multiple mammalian species, which suggests that this missense change does not adversely affect protein function. RNA analysis performed to evaluate the impact of this missense change on mRNA splicing indicates it does not significantly alter splicing (internal data). In summary, the available evidence is currently insufficient to determine the role of this variant in disease. Therefore, it has been classified as a Variant of Uncertain Significance.

GeneDx
Classification: Uncertain significance. Last evaluated: 2024-09-29. Review status: criteria provided, single submitter. Criteria: GeneDx Variant Classification Process June 2021. Collection method: clinical testing. Allele origin: germline. Affected: yes.
Comment: Not observed at significant frequency in large population cohorts (gnomAD); In silico analysis indicates that this missense variant does not alter protein structure/function; Has not been previously published as pathogenic or benign to our knowledge; This variant is associated with the following publications: (PMID: 24485656, 19609323, 20871615)

Ambry Genetics
Classification: Likely benign for Hereditary cancer-predisposing syndrome. Last evaluated: 2023-11-21. Review status: criteria provided, single submitter. Criteria: Ambry Variant Classification Scheme 2023. Collection method: clinical testing. Allele origin: germline.

NM_024675.4(PALB2):c.2749G>A (p.Val917Ile)

Gene: PALB2 (partner and localizer of BRCA2; minus strand). Cytogenetic location: 16p12.2.
Variant type: single nucleotide variant.
Coding change: c.2749G>A on transcript NM_024675.4 (MANE Select); coding-DNA position 2749, G replaced by A.
Protein change: p.Val917Ile; replaces valine 917 with isoleucine.
Molecular consequence: missense variant.
Genome position (GRCh38, 1-based): chr16:23,624,094, C>T on the plus strand (G>A on the coding strand, the complement: PALB2 is on the minus strand). VCF-style: chr16-23624094-C-T. GRCh37 (hg19) VCF-style: chr16-23635415-C-T.
Other names: short protein forms V917I.
Identifiers: ClinVar variation 659049 (VCV000659049.19), dbSNP rs753767237, ClinGen allele CA395145267.